The following is an entry in ClinVar:

NM_004415.4(DSP):c.490G>A (p.Ala164Thr)

Gene: DSP (desmoplakin; plus strand). Cytogenetic location: 6p24.3.
Variant type: single nucleotide variant.
Coding change: c.490G>A on transcript NM_004415.4 (MANE Select); coding-DNA position 490, G replaced by A.
Protein change: p.Ala164Thr; replaces alanine 164 with threonine.
Molecular consequence: missense variant.
Genome position (GRCh38, 1-based): chr6:7,559,293, G>A. VCF-style: chr6-7559293-G-A. GRCh37 (hg19) VCF-style: chr6-7559526-G-A.
Other names: c.490G>A, p.Ala164Thr (NM_001008844.3, NM_001319034.2, NM_001406591.1); short protein forms A164T.
Identifiers: ClinVar variation 3894031 (VCV003894031.1).
Genomic context (GRCh38, chr6:7,559,293, plus strand): 5'-CAGCTCCAAGAGCAAATGCGAGCCCTTTATAAAGCCATCAGTGTCCCTCGAGTCCGCAGG[G>A]CCAGCTCCAAGGGTGGTGGAGGCTACACTTGTCAGAGTGGCTCTGGCTGGGATGAGTTCA-3'
Protein context (NP_004406.2, residues 154-174): KAISVPRVRR[Ala164Thr]SSKGGGGYTC

ClinVar aggregate classification (germline): Uncertain significance (1 of 4 stars; one submission).

Conditions:
Cardiomyopathy (CMYO). Also called: Cardiomyopathies. Identifiers: Orphanet 167848, MedGen C0878544, MONDO:0004994, HP:0001638. Inheritance: Various modes of inheritance.

Submission:

Color Diagnostics, LLC DBA Color Health
Classification: Uncertain significance for Cardiomyopathy. Last evaluated: 2024-07-15. Review status: criteria provided, single submitter. Criteria: ACMG Guidelines, 2015. Collection method: clinical testing. Allele origin: germline.
Comment: This missense variant replaces alanine with threonine at codon 164 of the DSP protein. Computational prediction suggests that this variant may not impact protein structure and function (internally defined REVEL score threshold <= 0.5, PMID: 27666373). To our knowledge, functional studies have not been reported for this variant. This variant has not been reported in individuals affected with DSP-related disorders in the literature. This variant has not been identified in the general population by the Genome Aggregation Database (gnomAD). The available evidence is insufficient to determine the role of this variant in disease conclusively. Therefore, this variant is classified as a Variant of Uncertain Significance.